The following is an entry in ClinVar:

NM_001613.4(ACTA2):c.201G>C (p.Leu67=)

Gene: ACTA2 (actin alpha 2, smooth muscle; minus strand). Cytogenetic location: 10q23.31.
Variant type: single nucleotide variant.
Coding change: c.201G>C on transcript NM_001613.4 (MANE Select); coding-DNA position 201, G replaced by C.
Protein change: p.Leu67=; no amino-acid change (leucine 67 retained).
Molecular consequence: synonymous variant. On other transcripts: intron variant (3).
Genome position (GRCh38, 1-based): chr10:88,947,315, C>G on the plus strand (G>C on the coding strand, the complement: ACTA2 is on the minus strand). VCF-style: chr10-88947315-C-G. GRCh37 (hg19) VCF-style: chr10-90707072-C-G.
Other names: p.L67L:CTG>CTC; c.201G>C, p.Leu67= (NM_001141945.3, NM_001320855.2, NM_001406462.1 and 4 more transcripts); c.129+1487G>C (NM_001406467.1, NM_001406468.1, NM_001406469.1).
Identifiers: ClinVar variation 136278 (VCV000136278.66), dbSNP rs199773697, ClinGen allele CA006866.

ClinVar aggregate classification (germline): Benign/Likely benign. Review status: criteria provided, multiple submitters, no conflicts (2 of 4 stars). 10 submissions from 10 submitters: Benign (1); Likely benign (8). 1 of the submissions does not count toward it. Last evaluated 2026-02-01.

Conditions:
ACTA2-related disorder. Also called: ACTA2-related condition; ACTA2-related disorders.
Familial thoracic aortic aneurysm and aortic dissection (TAAD). Also called: Thoracic aortic aneurysms and dissections. Identifiers: Orphanet 91387, MedGen C4707243, MONDO:0019625.
Multisystemic smooth muscle dysfunction syndrome (SMDYS). Also called: SMOOTH MUSCLE DYSFUNCTION SYNDROME; MYDRIASIS, CONGENITAL, WITH PATENT DUCTUS ARTERIOSUS, THORACIC AORTIC ANEURYSM, AND VASCULOPATHY. Identifiers: Orphanet 404463, MedGen C3151201, MONDO:0013452, OMIM 613834.
Aortic aneurysm, familial thoracic 6 (AAT6). Also called: FAMILIAL THORACIC AORTIC ANEURYSM WITH LIVEDO RETICULARIS AND IRIS FLOCCULI. Identifiers: MedGen C2673186, MONDO:0012730, OMIM 611788.

Allele frequency attached by ClinVar (database versions not stated): ExAC 0.00007; ESP Exome Variant Server 0.00008; gnomAD 0.00008 and 0.00010; gnomAD exomes 0.00008; TOPMed 0.00009.
gnomAD v4.1: 105 of 1,613,862 alleles (0.0065%); highest among the groups gnomAD compares: Middle Eastern, 0.033%; no homozygotes.

Submissions (10):

CeGaT Center for Human Genetics Tuebingen
Classification: Likely benign. Last evaluated: 2026-02-01. Review status: criteria provided, single submitter. Criteria: CeGaT Center For Human Genetics Tuebingen Variant Classification Criteria Version 2. Collection method: clinical testing. Allele origin: germline. Affected: yes. Observed: 4 variant alleles.
Comment: ACTA2: BP4

Labcorp Genetics (formerly Invitae), Labcorp
Classification: Likely benign for Aortic aneurysm, familial thoracic 6. Last evaluated: 2026-02-01. Review status: criteria provided, single submitter. Criteria: Invitae Variant Classification Sherloc (09022015). Collection method: clinical testing. Allele origin: germline.

Blueprint Genetics
Classification: Likely benign. Last evaluated: 2024-10-22. Review status: criteria provided, single submitter. Criteria: ACMG Guidelines, 2015. Collection method: clinical testing. Allele origin: germline.

All of Us Research Program, National Institutes of Health
Classification: Likely benign for Familial thoracic aortic aneurysm and aortic dissection. Last evaluated: 2024-01-05. Review status: criteria provided, single submitter. Criteria: ACMG Guidelines, 2015. Collection method: clinical testing. Allele origin: germline. Inheritance: Autosomal dominant inheritance. Observed: 14 variant alleles, 14 heterozygotes.
Comment: This study involves interpretation of variants in research participants for the purpose of population health screening. Participant phenotype was not available at the time of variant classification. Additional details can be found in publication PMID: 35346344, PMCID: PMC8962531

Ambry Genetics
Classification: Likely benign for Familial thoracic aortic aneurysm and aortic dissection. Last evaluated: 2018-11-08. Review status: criteria provided, single submitter. Criteria: Ambry Variant Classification Scheme 2023. Collection method: clinical testing. Allele origin: germline.

Color Diagnostics, LLC DBA Color Health
Classification: Likely benign for Familial thoracic aortic aneurysm and aortic dissection. Last evaluated: 2018-04-10. Review status: criteria provided, single submitter. Criteria: ACMG Guidelines, 2015. Collection method: clinical testing. Allele origin: germline.

Illumina Laboratory Services, Illumina
Classification: Likely benign for Multisystemic smooth muscle dysfunction syndrome. Last evaluated: 2018-01-13. Review status: criteria provided, single submitter. Criteria: ICSL Variant Classification Criteria 13 December 2019. Collection method: clinical testing. Allele origin: germline.
Comment: This variant was observed in the ICSL laboratory as part of a predisposition screen in an ostensibly healthy population. It had not been previously curated by ICSL or reported in the Human Gene Mutation Database (HGMD: prior to June 1st, 2018), and was therefore a candidate for classification through an automated scoring system. Utilizing variant allele frequency, disease prevalence and penetrance estimates, and inheritance mode, an automated score was calculated to assess if this variant is too frequent to cause the disease. Based on the score and internal cut-off values, a variant classified as likely benign is not then subjected to further curation. The score for this variant resulted in a classification of likely benign for this disease.

CHEO Genetics Diagnostic Laboratory, Children's Hospital of Eastern Ontario
Classification: Likely benign for Familial thoracic aortic aneurysm and aortic dissection. Last evaluated: 2017-05-08. Review status: criteria provided, single submitter. Criteria: ACMG Guidelines, 2015. Collection method: clinical testing. Allele origin: germline. Study: Canadian Open Genetics Repository.

GeneDx
Classification: Benign. Last evaluated: 2013-09-26. Review status: criteria provided, single submitter. Criteria: GeneDx Variant Classification (06012015). Collection method: clinical testing. Allele origin: germline. Affected: yes.
Comment: This variant is considered likely benign or benign based on one or more of the following criteria: it is a conservative change, it occurs at a poorly conserved position in the protein, it is predicted to be benign by multiple in silico algorithms, and/or has population frequency not consistent with disease.

PreventionGenetics, part of Exact Sciences
Classification: Likely benign for ACTA2-related condition. Last evaluated: 2019-06-12. Review status: no assertion criteria provided. Collection method: clinical testing. Allele origin: germline. Not counted in ClinVar's aggregate classification.
Comment: This variant is classified as likely benign based on ACMG/AMP sequence variant interpretation guidelines (Richards et al. 2015 PMID: 25741868, with internal and published modifications).